The following is an entry in ClinVar:

NM_001287491.2(TET3):c.4114G>T (p.Ala1372Ser)

Gene: TET3 (tet methylcytosine dioxygenase 3; plus strand). Cytogenetic location: 2p13.1.
Variant type: single nucleotide variant.
Coding change: c.4114G>T on transcript NM_001287491.2 (MANE Select); coding-DNA position 4114, G replaced by T.
Protein change: p.Ala1372Ser; replaces alanine 1372 with serine.
Molecular consequence: missense variant.
Genome position (GRCh38, 1-based): chr2:74,100,902, G>T. VCF-style: chr2-74100902-G-T. GRCh37 (hg19) VCF-style: chr2-74328029-G-T.
Other names: c.3835G>T, p.Ala1279Ser (NM_001366022.1); short protein forms A1279S, A1372S.
Identifiers: ClinVar variation 4976201 (VCV004976201.1).

ClinVar aggregate classification (germline): Uncertain significance (1 of 4 stars; one submission).

Submission:

GeneDx
Classification: Uncertain significance. Last evaluated: 2026-02-12. Review status: criteria provided, single submitter. Criteria: GeneDx Variant Classification Process June 2021. Collection method: clinical testing. Allele origin: germline.
Comment: Not observed at significant frequency in large population cohorts (gnomAD); In silico analysis suggests that this missense variant does not alter protein structure/function; Has not been previously published as pathogenic or benign to our knowledge